The following is an entry in ClinVar:

NM_002473.6(MYH9):c.2295C>T (p.Ala765=)

Gene: MYH9 (myosin heavy chain 9; minus strand). Cytogenetic location: 22q12.3.
Variant type: single nucleotide variant.
Coding change: c.2295C>T on transcript NM_002473.6 (MANE Select); coding-DNA position 2295, C replaced by T.
Protein change: p.Ala765=; no amino-acid change (alanine 765 retained).
Molecular consequence: synonymous variant.
Genome position (GRCh38, 1-based): chr22:36,304,090, G>A on the plus strand (C>T on the coding strand, the complement: MYH9 is on the minus strand). VCF-style: chr22-36304090-G-A. GRCh37 (hg19) VCF-style: chr22-36700136-G-A.
Identifiers: ClinVar variation 341521 (VCV000341521.21), dbSNP rs150133983, ClinGen allele CA10210016.

ClinVar aggregate classification (germline): Benign/Likely benign. Review status: criteria provided, multiple submitters, no conflicts (2 of 4 stars). 8 submissions from 7 submitters: Benign (2); Likely benign (6). Last evaluated 2026-04-01.

Conditions:
Macrothrombocytopenia and granulocyte inclusions with or without nephritis or sensorineural hearing loss (MATINS). Also called: DOHLE LEUKOCYTE INCLUSIONS WITH GIANT PLATELETS; MAY-HEGGLIN ANOMALY; MACROTHROMBOCYTOPENIA WITH LEUKOCYTE INCLUSIONS; SEBASTIAN PLATELET SYNDROME; MACROTHROMBOCYTOPENIA WITH DISPERSED LEUKOCYTIC INCLUSIONS; MACROTHROMBOCYTOPENIA, NEPHRITIS, AND DEAFNESS. Identifiers: Orphanet 182050, MedGen C5200934, MONDO:0015912, OMIM 155100.
Autosomal dominant nonsyndromic hearing loss 17. Also called: Deafness, autosomal dominant 17; Autosomal dominant nonsyndromic deafness 17. Identifiers: Orphanet 90635, MedGen C1863659, MONDO:0011350, OMIM 603622.
MYH9-related disorder. Identifiers: MedGen C1854520.

Allele frequency attached by ClinVar (database versions not stated): ESP Exome Variant Server 0.00008; gnomAD 0.00015 and 0.00018; gnomAD exomes 0.00015 and 0.00043; TOPMed 0.00027; ExAC 0.00037; 1000 Genomes Project 0.00040; 1000 Genomes Project 30x 0.00094.
gnomAD v4.1: 245 of 1,613,852 alleles (0.015%); highest among the groups gnomAD compares: East Asian, 0.41%; no homozygotes.

Submissions (8):

CeGaT Center for Human Genetics Tuebingen
Classification: Likely benign. Last evaluated: 2026-04-01. Review status: criteria provided, single submitter. Criteria: CeGaT Center For Human Genetics Tuebingen Variant Classification Criteria Version 2. Collection method: clinical testing. Allele origin: germline. Affected: yes. Observed: 1 variant allele.
Comment: MYH9: BP4, BP7

Labcorp Genetics (formerly Invitae), Labcorp
Classification: Benign. Last evaluated: 2025-11-09. Review status: criteria provided, single submitter. Criteria: Invitae Variant Classification Sherloc (09022015). Collection method: clinical testing. Allele origin: germline.

Blueprint Genetics
Classification: Likely benign. Last evaluated: 2024-10-23. Review status: criteria provided, single submitter. Criteria: ACMG Guidelines, 2015. Collection method: clinical testing. Allele origin: germline.

Fulgent Genetics
Classification: Likely benign for Macrothrombocytopenia and granulocyte inclusions with or without nephritis or sensorineural hearing loss; Autosomal dominant nonsyndromic hearing loss 17. Last evaluated: 2021-12-09. Review status: criteria provided, single submitter. Criteria: ACMG Guidelines, 2015. Collection method: clinical testing. Allele origin: unknown.

GeneDx
Classification: Likely benign. Last evaluated: 2020-02-21. Review status: criteria provided, single submitter. Criteria: GeneDx Variant Classification Process June 2021. Collection method: clinical testing. Allele origin: germline. Affected: yes.

Illumina Laboratory Services, Illumina
Classification: Benign for MYH9-related disorder. Last evaluated: 2018-01-13. Review status: criteria provided, single submitter. Criteria: ICSL Variant Classification Criteria 13 December 2019. Collection method: clinical testing. Allele origin: germline.
Comment: This variant was observed in the ICSL laboratory as part of a predisposition screen in an ostensibly healthy population. It had not been previously curated by ICSL or reported in the Human Gene Mutation Database (HGMD: prior to June 1st, 2018), and was therefore a candidate for classification through an automated scoring system. Utilizing variant allele frequency, disease prevalence and penetrance estimates, and inheritance mode, an automated score was calculated to assess if this variant is too frequent to cause the disease. Based on the score and internal cut-off values, a variant classified as benign is not then subjected to further curation. The score for this variant resulted in a classification of benign for this disease.

Illumina Laboratory Services, Illumina
Classification: Likely benign for Autosomal dominant nonsyndromic hearing loss 17. Last evaluated: 2018-01-13. Review status: criteria provided, single submitter. Criteria: ICSL Variant Classification Criteria 13 December 2019. Collection method: clinical testing. Allele origin: germline.
Comment: This variant was observed in the ICSL laboratory as part of a predisposition screen in an ostensibly healthy population. It had not been previously curated by ICSL or reported in the Human Gene Mutation Database (HGMD: prior to June 1st, 2018), and was therefore a candidate for classification through an automated scoring system. Utilizing variant allele frequency, disease prevalence and penetrance estimates, and inheritance mode, an automated score was calculated to assess if this variant is too frequent to cause the disease. Based on the score and internal cut-off values, a variant classified as likely benign is not then subjected to further curation. The score for this variant resulted in a classification of likely benign for this disease.

Laboratory for Molecular Medicine, Mass General Brigham Personalized Medicine
Classification: Likely benign. Last evaluated: 2017-05-22. Review status: criteria provided, single submitter. Criteria: LMM Criteria. Collection method: clinical testing. Allele origin: germline. Observed: 1 variant allele.
Comment: p.Ala765Ala in exon 19 of MYH9: This variant is not expected to have clinical si gnificance because it does not alter an amino acid residue, is not located withi n the splice consensus sequence, and has been identified in 0.5% (99/18868) of E ast Asian chromosomes by the Genome Aggregation Database (gnomAD.; dbSNP rs150133983).